The following is an entry in ClinVar:

NM_001378687.1(ATP2C1):c.1044T>A (p.Cys348Ter)

Gene: ATP2C1 (ATPase secretory pathway Ca2+ transporting 1; plus strand). Cytogenetic location: 3q22.1.
Variant type: single nucleotide variant.
Coding change: c.1044T>A on transcript NM_001378687.1 (MANE Select); coding-DNA position 1044, T replaced by A.
Protein change: p.Cys348Ter; replaces cysteine 348 with a stop codon.
Molecular consequence: nonsense.
Genome position (GRCh38, 1-based): chr3:130,964,967, T>A. VCF-style: chr3-130964967-T-A. GRCh37 (hg19) VCF-style: chr3-130683811-T-A.
Other names: c.1044T>A, p.Cys348Ter (NM_001001485.3, NM_001001486.2, NM_001001487.2 and 5 more transcripts); c.1146T>A, p.Cys382Ter (NM_001199180.2, NM_001199181.3, NM_001378511.1); c.1029T>A, p.Cys343Ter (NM_001199182.2); c.996T>A, p.Cys332Ter (NM_001199183.2, NM_001199184.3, NM_001378514.1); short protein forms C348*, C332*, C343*, C382*.
Identifiers: ClinVar variation 2765723 (VCV002765723.3), dbSNP rs2531051260, ClinGen allele CA354538064.

ClinVar aggregate classification (germline): Pathogenic (1 of 4 stars; one submission).

Submission:

Labcorp Genetics (formerly Invitae), Labcorp
Classification: Pathogenic. Last evaluated: 2023-10-05. Review status: criteria provided, single submitter. Criteria: Invitae Variant Classification Sherloc (09022015). Collection method: clinical testing. Allele origin: germline.
Comment: This sequence change creates a premature translational stop signal (p.Cys348*) in the ATP2C1 gene. It is expected to result in an absent or disrupted protein product. Loss-of-function variants in ATP2C1 are known to be pathogenic (PMID: 10615129, 10767338, 11841554). This variant is not present in population databases (gnomAD no frequency). This variant has not been reported in the literature in individuals affected with ATP2C1-related conditions. For these reasons, this variant has been classified as Pathogenic.

Literature cited by the submitters: PubMed 10615129; PubMed 10767338; PubMed 11841554.